The following is an entry in ClinVar:

NM_001382430.1(AKT1):c.1260+4C>T

Gene: AKT1 (AKT serine/threonine kinase 1; minus strand). Cytogenetic location: 14q32.33.
Variant type: single nucleotide variant.
Coding change: c.1260+4C>T on transcript NM_001382430.1 (MANE Select); 4 bases into the intron after coding-DNA position 1260, C replaced by T.
Molecular consequence: intron variant.
Genome position (GRCh38, 1-based): chr14:104,772,361, G>A on the plus strand (C>T on the coding strand, the complement: AKT1 is on the minus strand). VCF-style: chr14-104772361-G-A. GRCh37 (hg19) VCF-style: chr14-105238698-G-A.
Other names: c.1260+4C>T (NM_001014431.2, NM_001014432.2, NM_001382433.1 and 3 more transcripts).
Identifiers: ClinVar variation 410906 (VCV000410906.9), dbSNP rs765999603, ClinGen allele CA7374515.

ClinVar aggregate classification (germline): Uncertain significance (1 of 4 stars; one submission).

Conditions:
Cowden syndrome 6 (CWS6). Identifiers: Orphanet 201, MedGen C3554519, MONDO:0014048, OMIM 615109.

Allele frequency attached by ClinVar (database versions not stated): ExAC 0.00001; gnomAD 0.00001 and 0.00003; TOPMed 0.00001; gnomAD exomes 0.00002 and 0.00003.
gnomAD v4.1: 37 of 1,613,538 alleles (0.0023%); highest among the groups gnomAD compares: Admixed American, 0.017%; no homozygotes.

Submission:

Labcorp Genetics (formerly Invitae), Labcorp
Classification: Uncertain significance for Cowden syndrome 6. Last evaluated: 2025-05-19. Review status: criteria provided, single submitter. Criteria: Invitae Variant Classification Sherloc (09022015). Collection method: clinical testing. Allele origin: germline.
Comment: This sequence change falls in intron 12 of the AKT1 gene. It does not directly change the encoded amino acid sequence of the AKT1 protein. It affects a nucleotide within the consensus splice site. This variant is present in population databases (rs765999603, gnomAD 0.02%). This variant has not been reported in the literature in individuals affected with AKT1-related conditions. ClinVar contains an entry for this variant (Variation ID: 410906). Variants that disrupt the consensus splice site are a relatively common cause of aberrant splicing (PMID: 17576681, 9536098). Algorithms developed to predict the effect of sequence changes on RNA splicing suggest that this variant is not likely to affect RNA splicing. In summary, the available evidence is currently insufficient to determine the role of this variant in disease. Therefore, it has been classified as a Variant of Uncertain Significance.

Literature cited by the submitters: PubMed 17576681; PubMed 9536098.